The following is an entry in ClinVar:

NC_000002.11:g.(?_152417188)_(152418728_?)del

Gene: NEB (nebulin; minus strand). Cytogenetic location: 2q23.3.
Variant type: Deletion.
Identifiers: ClinVar variation 3247265 (VCV003247265.1).

ClinVar aggregate classification (germline): Pathogenic (1 of 4 stars; one submission).

Conditions:
Nemaline myopathy 2 (NEM2). Also called: Nemaline myopathy 2, autosomal recessive. Identifiers: MedGen C1850569, MONDO:0009725, OMIM 256030.

Submission:

Labcorp Genetics (formerly Invitae), Labcorp
Classification: Pathogenic for Nemaline myopathy 2. Last evaluated: 2018-07-10. Review status: criteria provided, single submitter. Criteria: Invitae Variant Classification Sherloc (09022015). Collection method: clinical testing. Allele origin: unknown.
Comment: Loss-of-function variants in NEB are known to be pathogenic (PMID: 25205138). For these reasons, this variant has been classified as Pathogenic. This variant has not been reported in the literature in individuals with NEB-related disease. This variant is a deletion of the genomic region encompassing exons 121-123 and part of exon 124 (c.18892_19232del) of the NEB gene.¬†It is expected to result in an absent or disrupted protein product.

Literature cited by the submitters: PubMed 25205138.